The following is an entry in ClinVar:

ClinVar aggregate classification (germline): Benign (1 of 4 stars; one submission).

Conditions:
Familial adenomatous polyposis 1 (FAP1). Also called: POLYPOSIS, ADENOMATOUS INTESTINAL; FAMILIAL ADENOMATOUS POLYPOSIS 1, ATTENUATED. Identifiers: MedGen C2713442, MONDO:0021056, OMIM 175100. Disease mechanism: loss of function.

Submission:

Myriad Genetics, Inc.
Classification: Benign for Familial adenomatous polyposis 1. Last evaluated: 2024-03-08. Review status: criteria provided, single submitter. Criteria: Myriad Autosomal Dominant, Autosomal Recessive and X-Linked Classification Criteria (2023). Collection method: clinical testing. Allele origin: unknown.
Comment: This variant is considered benign. This variant is intronic and is not expected to impact mRNA splicing.

NM_000038.6(APC):c.1958+24T>C

Gene: APC (APC regulator of Wnt signaling pathway; plus strand). Cytogenetic location: 5q22.2.
Variant type: single nucleotide variant.
Coding change: c.1958+24T>C on transcript NM_000038.6 (MANE Select); 24 bases into the intron after coding-DNA position 1958, T replaced by C.
Molecular consequence: intron variant.
Genome position (GRCh38, 1-based): chr5:112,835,189, T>C. VCF-style: chr5-112835189-T-C. GRCh37 (hg19) VCF-style: chr5-112170886-T-C.
Other names: c.1109+24T>C (NM_001407470.1, NM_001354906.2); c.806+24T>C (NM_001407472.1, NM_001407471.1); c.2012+24T>C (NM_001407447.1, NM_001407448.1, NM_001407449.1 and 1 more transcripts); c.1958+24T>C (NM_001354895.2, NM_001407450.1, NM_001127510.3); c.1709+24T>C (NM_001407456.1, NM_001407457.1, NM_001407455.1 and 1 more transcripts); c.1655+24T>C (NM_001407460.1, NM_001407458.1, NM_001407459.1 and 1 more transcripts); c.1928+24T>C (NM_001407452.1); c.1571+24T>C (NM_001407469.1, NM_001407467.1); and 11 more.
Identifiers: ClinVar variation 3148813 (VCV003148813.1), dbSNP rs2533346529, ClinGen allele CA2825001360.